The following is an entry in ClinVar:

NM_053043.3(RBM33):c.1929C>T (p.Ser643=)

Gene: RBM33 (RNA binding motif protein 33; plus strand). Cytogenetic location: 7q36.3.
Variant type: single nucleotide variant.
Coding change: c.1929C>T on transcript NM_053043.3 (MANE Select); coding-DNA position 1929, C replaced by T.
Protein change: p.Ser643=; no amino-acid change (serine 643 retained).
Molecular consequence: synonymous variant.
Genome position (GRCh38, 1-based): chr7:155,739,906, C>T. VCF-style: chr7-155739906-C-T. GRCh37 (hg19) VCF-style: chr7-155532600-C-T.
Identifiers: ClinVar variation 2658279 (VCV002658279.24), dbSNP rs200834081, ClinGen allele CA4586390.

ClinVar aggregate classification (germline): Likely benign (1 of 4 stars; one submission).

Allele frequency attached by ClinVar (database versions not stated): 1000 Genomes Project 30x 0.00156; 1000 Genomes Project 0.00180; ESP Exome Variant Server 0.00455; TOPMed 0.00495; gnomAD 0.00546; ExAC 0.00667.
gnomAD v4.1: 12,289 of 1,550,214 alleles (0.79%); highest among the groups gnomAD compares: Non-Finnish European, 0.93%; 61 homozygotes.

Submission:

CeGaT Center for Human Genetics Tuebingen
Classification: Likely benign. Last evaluated: 2024-09-01. Review status: criteria provided, single submitter. Criteria: CeGaT Center For Human Genetics Tuebingen Variant Classification Criteria Version 2. Collection method: clinical testing. Allele origin: germline. Affected: yes. Observed: 2 variant alleles.
Comment: RBM33: BP4, BP7, BS2